The following is an entry in ClinVar:

NM_021961.6(TEAD1):c.685C>T (p.Arg229Ter)

Gene: TEAD1 (TEA domain transcription factor 1; plus strand). Cytogenetic location: 11p15.3.
Variant type: single nucleotide variant.
Coding change: c.685C>T on transcript NM_021961.6 (MANE Select); coding-DNA position 685, C replaced by T.
Protein change: p.Arg229Ter; replaces arginine 229 with a stop codon.
Molecular consequence: nonsense.
Genome position (GRCh38, 1-based): chr11:12,883,111, C>T. VCF-style: chr11-12883111-C-T. GRCh37 (hg19) VCF-style: chr11-12904658-C-T.
Other names: short protein forms R229*.
Identifiers: ClinVar variation 1503755 (VCV001503755.6), dbSNP rs1948003603, ClinGen allele CA379713083.

ClinVar aggregate classification (germline): Uncertain significance (1 of 4 stars; one submission).

Allele frequency attached by ClinVar (database versions not stated): gnomAD exomes below 0.00001.
gnomAD v4.1: 2 of 1,614,178 alleles (0.00012%); highest among the groups gnomAD compares: Non-Finnish European, 0.00017%; no homozygotes.

Submission:

Labcorp Genetics (formerly Invitae), Labcorp
Classification: Uncertain significance. Last evaluated: 2022-05-25. Review status: criteria provided, single submitter. Criteria: Invitae Variant Classification Sherloc (09022015). Collection method: clinical testing. Allele origin: germline.
Comment: In summary, the available evidence is currently insufficient to determine the role of this variant in disease. Therefore, it has been classified as a Variant of Uncertain Significance. Algorithms developed to predict the effect of sequence changes on RNA splicing suggest that this variant may create or strengthen a splice site. This variant has not been reported in the literature in individuals affected with TEAD1-related conditions. This variant is not present in population databases (gnomAD no frequency). This sequence change creates a premature translational stop signal (p.Arg229*) in the TEAD1 gene. It is expected to result in an absent or disrupted protein product. However, the current clinical and genetic evidence is not sufficient to establish whether loss-of-function variants in TEAD1 cause disease.